The following is an entry in ClinVar:

NM_015693.4(INTU):c.1622A>G (p.Tyr541Cys)

Gene: INTU (inturned planar cell polarity protein; plus strand). Cytogenetic location: 4q28.1.
Variant type: single nucleotide variant.
Coding change: c.1622A>G on transcript NM_015693.4 (MANE Select); coding-DNA position 1622, A replaced by G.
Protein change: p.Tyr541Cys; replaces tyrosine 541 with cysteine.
Molecular consequence: missense variant.
Genome position (GRCh38, 1-based): chr4:127,705,646, A>G. VCF-style: chr4-127705646-A-G. GRCh37 (hg19) VCF-style: chr4-128626801-A-G.
Other names: short protein forms Y541C.
Identifiers: ClinVar variation 1963923 (VCV001963923.5), dbSNP rs1730845053, ClinGen allele CA358135319.

ClinVar aggregate classification (germline): Uncertain significance (1 of 4 stars; one submission).

Allele frequency attached by ClinVar (database versions not stated): gnomAD exomes below 0.00001; TOPMed 0.00001.
gnomAD v4.1: 3 of 1,614,032 alleles (0.00019%); highest among the groups gnomAD compares: Middle Eastern, 0.017%; no homozygotes.

Submission:

Labcorp Genetics (formerly Invitae), Labcorp
Classification: Uncertain significance. Last evaluated: 2026-01-19. Review status: criteria provided, single submitter. Criteria: Invitae Variant Classification Sherloc (09022015). Collection method: clinical testing. Allele origin: germline.
Comment: This sequence change replaces tyrosine, which is neutral and polar, with cysteine, which is neutral and slightly polar, at codon 541 of the INTU protein (p.Tyr541Cys). This variant is not present in population databases (gnomAD no frequency). This variant has not been reported in the literature in individuals affected with INTU-related conditions. ClinVar contains an entry for this variant (Variation ID: 1963923). Invitae Evidence Modeling of protein sequence and biophysical properties (such as structural, functional, and spatial information, amino acid conservation, physicochemical variation, residue mobility, and thermodynamic stability) indicates that this missense variant is expected to disrupt INTU protein function with a positive predictive value of 80%. In summary, the available evidence is currently insufficient to determine the role of this variant in disease. Therefore, it has been classified as a Variant of Uncertain Significance.